The following is an entry in ClinVar:

NM_022124.6(CDH23):c.6866A>G (p.Asn2289Ser)

Gene: CDH23 (cadherin related 23; plus strand). Cytogenetic location: 10q22.1.
Variant type: single nucleotide variant.
Coding change: c.6866A>G on transcript NM_022124.6 (MANE Select); coding-DNA position 6866, A replaced by G.
Protein change: p.Asn2289Ser; replaces asparagine 2289 with serine.
Molecular consequence: missense variant.
Genome position (GRCh38, 1-based): chr10:71,798,390, A>G. VCF-style: chr10-71798390-A-G. GRCh37 (hg19) VCF-style: chr10-73558147-A-G.
Other names: c.146A>G, p.Asn49Ser (NM_001171933.1, NM_001171934.1); short protein forms N2289S, N49S.
Identifiers: ClinVar variation 228500 (VCV000228500.21), dbSNP rs876657756, ClinGen allele CA10576816.

ClinVar aggregate classification (germline): Uncertain significance. Review status: reviewed by expert panel (3 of 4 stars). 6 submissions from 6 submitters: Uncertain significance (1). 5 of the submissions do not count toward it. Last evaluated 2022-12-21.

Conditions:
Autosomal recessive nonsyndromic hearing loss 12. Also called: DEAFNESS, AUTOSOMAL RECESSIVE 12. Identifiers: Orphanet 90636, MedGen C1832394, MONDO:0011067, OMIM 601386.
Nonsyndromic genetic hearing loss. Also called: Nonsyndromic hearing loss and deafness; Non-syndromic genetic deafness; Nonsyndromic genetic deafness. Identifiers: Orphanet 87884, MedGen C5680182, MONDO:0019497.

Allele frequency attached by ClinVar (database versions not stated): gnomAD exomes below 0.00001; TOPMed below 0.00001.
gnomAD v4.1: 1 of 1,613,978 alleles (0.000062%); highest among the groups gnomAD compares: Non-Finnish European, 0.000085%; no homozygotes.

Submissions (6):

ClinGen Hearing Loss Variant Curation Expert Panel
Classification: Uncertain significance for Nonsyndromic genetic hearing loss. Last evaluated: 2022-12-21. Review status: reviewed by expert panel. Criteria: Clingen Hl Acmg Specifications Cdh23 Coch Gjb2 Kcnq4 Myo6 Myo7a Slc26a4 Tecta Ush2a V2. Collection method: curation. Allele origin: germline. Inheritance: Autosomal recessive inheritance.
Comment: The NM_022124.6:c.6866A>G variant in the CDH23 gene is a missense variant predicted to cause substitution of asparagine to serine at amino acid 2289 (p.Asn2289Ser). This variant is absent from gnomAD v2.1.1 (PM2_Supporting). The computational predictor REVEL gives a score of 0.534, which is neither above nor below the thresholds predicting a damaging or benign impact. This variant was reported in two individuals with sensorineural hearing loss and one individual with postlingual deafness and bilateral vestibular areflexia (LMM unpublished data SCV000271567.2, ARUP Labs unpublished data SCV000602954.2, University Hospital of Geneva unpublished data SCV000494445.1). One individual had a second variant of uncertain significance in trans, and one had a second variant of uncertain significance phase unknown (SCV000602954.2, SCV000494445.1) (Does not meet PM3). In summary, due to limited evidence, this variant is classified as a variant of uncertain significance based on the ACMG/AMP criteria applied, as specified by the ClinGen Hearing Loss Variant Curation Expert Panel: PM2_supporting. (VCEP specifications version 2.0.0; Dec 21, 2022)

GeneDx
Classification: Uncertain significance. Last evaluated: 2025-06-12. Review status: criteria provided, single submitter. Criteria: GeneDx Variant Classification Process June 2021. Collection method: clinical testing. Allele origin: germline. Affected: yes. Not counted in ClinVar's aggregate classification.
Comment: Not observed at significant frequency in large population cohorts (gnomAD); In silico analysis supports that this missense variant has a deleterious effect on protein structure/function; Has not been previously published as pathogenic or benign to our knowledge

Labcorp Genetics (formerly Invitae), Labcorp
Classification: Uncertain significance. Last evaluated: 2023-11-24. Review status: criteria provided, single submitter. Criteria: Invitae Variant Classification Sherloc (09022015). Collection method: clinical testing. Allele origin: germline. Not counted in ClinVar's aggregate classification.
Comment: This sequence change replaces asparagine, which is neutral and polar, with serine, which is neutral and polar, at codon 2289 of the CDH23 protein (p.Asn2289Ser). This variant is not present in population databases (gnomAD no frequency). This variant has not been reported in the literature in individuals affected with CDH23-related conditions. ClinVar contains an entry for this variant (Variation ID: 228500). Advanced modeling of protein sequence and biophysical properties (such as structural, functional, and spatial information, amino acid conservation, physicochemical variation, residue mobility, and thermodynamic stability) has been performed at Invitae for this missense variant, however the output from this modeling did not meet the statistical confidence thresholds required to predict the impact of this variant on CDH23 protein function. In summary, the available evidence is currently insufficient to determine the role of this variant in disease. Therefore, it has been classified as a Variant of Uncertain Significance.

ARUP Laboratories, Molecular Genetics and Genomics, ARUP Laboratories
Classification: Uncertain significance. Last evaluated: 2017-05-30. Review status: criteria provided, single submitter. Criteria: ARUP Molecular Germline Variant Investigation Process. Collection method: clinical testing. Allele origin: germline. Not counted in ClinVar's aggregate classification.

Center of Genomic medicine, Geneva, University Hospital of Geneva
Classification: Likely pathogenic for Autosomal recessive nonsyndromic hearing loss 12. Last evaluated: 2016-06-08. Review status: criteria provided, single submitter. Criteria: ACMG Guidelines, 2015. Collection method: clinical testing. Allele origin: maternal. Affected: yes. Not counted in ClinVar's aggregate classification.

Laboratory for Molecular Medicine, Mass General Brigham Personalized Medicine
Classification: Uncertain significance. Last evaluated: 2016-02-07. Review status: criteria provided, single submitter. Criteria: LMM Criteria. Collection method: clinical testing. Allele origin: germline. Observed: 1 variant allele. Not counted in ClinVar's aggregate classification.
Comment: The p.Asn2289Ser variant in CDH23 has not been previously reported in individual s with hearing loss and was absent from large population studies. Computational prediction tools and conservation analysis suggest that this variant may impact the protein, though this information is not predictive enough to determine patho genicity. In summary, the clinical significance of the p.Asn2289Ser variant is u ncertain.